The following is an entry in ClinVar:

ClinVar aggregate classification (germline): Likely pathogenic (1 of 4 stars; one submission).

Conditions:
Ehlers-Danlos syndrome, classic type, 1 (EDSCL1). Also called: EHLERS-DANLOS SYNDROME, GRAVIS TYPE; EHLERS-DANLOS SYNDROME, SEVERE CLASSIC TYPE; Ehlers-Danlos syndrome, type 1; Ehlers-Danlos Syndrome, Classic Type, COL5A1-Related; EDS I. Identifiers: MedGen C0268335, MONDO:0019567, OMIM 130000.

Submission:

Labcorp Genetics (formerly Invitae), Labcorp
Classification: Likely pathogenic for Ehlers-Danlos syndrome, classic type, 1. Last evaluated: 2023-10-10. Review status: criteria provided, single submitter. Criteria: Invitae Variant Classification Sherloc (09022015). Collection method: clinical testing. Allele origin: germline.
Comment: This sequence change falls in intron 5 of the COL5A1 gene. It does not directly change the encoded amino acid sequence of the COL5A1 protein. It affects a nucleotide within the consensus splice site. This variant is not present in population databases (gnomAD no frequency). This variant has been observed in individual(s) with clinical features of Ehlers-Danlos syndrome (Invitae). Variants that disrupt the consensus splice site are a relatively common cause of aberrant splicing (PMID: 17576681, 9536098). Algorithms developed to predict the effect of sequence changes on RNA splicing suggest that this variant may disrupt the consensus splice site. This variant disrupts the c.786+5 nucleotide in the COL5A1 gene. Other variant(s) that disrupt this nucleotide have been determined to be pathogenic (Invitae). This suggests that this nucleotide is clinically significant, and that variants that disrupt this position are likely to be disease-causing. In summary, the currently available evidence indicates that the variant is pathogenic, but additional data are needed to prove that conclusively. Therefore, this variant has been classified as Likely Pathogenic.

Literature cited by the submitters: PubMed 17576681; PubMed 9536098.

NM_000093.5(COL5A1):c.786+5G>T

Gene: COL5A1 (collagen type V alpha 1 chain; plus strand). Cytogenetic location: 9q34.3.
Variant type: single nucleotide variant.
Coding change: c.786+5G>T on transcript NM_000093.5 (MANE Select); 5 bases into the intron after coding-DNA position 786, G replaced by T.
Molecular consequence: intron variant.
Genome position (GRCh38, 1-based): chr9:134,727,402, G>T. VCF-style: chr9-134727402-G-T. GRCh37 (hg19) VCF-style: chr9-137619248-G-T.
Other names: c.786+5G>T (NM_001278074.1).
Identifiers: ClinVar variation 2767544 (VCV002767544.3), dbSNP rs2132632978, ClinGen allele CA2697558190.